The following is an entry in ClinVar:

ClinVar aggregate classification (germline): Likely benign (1 of 4 stars; one submission).

Allele frequency attached by ClinVar (database versions not stated): TOPMed 0.00001; ExAC 0.00003; gnomAD 0.00003; gnomAD exomes 0.00004; ESP Exome Variant Server 0.00008.
gnomAD v4.1: 68 of 1,613,520 alleles (0.0042%); highest among the groups gnomAD compares: Non-Finnish European, 0.0049%; no homozygotes.

Submission:

CeGaT Center for Human Genetics Tuebingen
Classification: Likely benign. Last evaluated: 2023-11-01. Review status: criteria provided, single submitter. Criteria: CeGaT Center For Human Genetics Tuebingen Variant Classification Criteria Version 2. Collection method: clinical testing. Allele origin: germline. Affected: yes. Observed: 1 variant allele.
Comment: CNOT1: BP4, BP7

NM_016284.5(CNOT1):c.3984A>G (p.Glu1328=)

Gene: CNOT1 (CCR4-NOT transcription complex subunit 1; minus strand). Cytogenetic location: 16q21.
Variant type: single nucleotide variant.
Coding change: c.3984A>G on transcript NM_016284.5 (MANE Select); coding-DNA position 3984, A replaced by G.
Protein change: p.Glu1328=; no amino-acid change (glutamic acid 1328 retained).
Molecular consequence: synonymous variant. On other transcripts: non-coding transcript variant (1).
Genome position (GRCh38, 1-based): chr16:58,546,343, T>C on the plus strand (A>G on the coding strand, the complement: CNOT1 is on the minus strand). VCF-style: chr16-58546343-T-C. GRCh37 (hg19) VCF-style: chr16-58580247-T-C.
Other names: c.3969A>G, p.Glu1323= (NM_001265612.2); c.3984A>G, p.Glu1328= (NM_206999.3).
Identifiers: ClinVar variation 2672639 (VCV002672639.23), dbSNP rs146241165, ClinGen allele CA8089290.
Genomic context (GRCh38, chr16:58,546,343, plus strand): 5'-GCTAACAGAAGCCTTCCTTGACTAATTAGCACACTTACTTGTGGTTGTGATGGGAGGGAG[T>C]TCTTCTGGCTGCTTGACATCTTTCTTTGGAGCAGAGAGTTGCTCATCTAAATTCTTCAGG-3'
Protein context (NP_057368.3, residues 1318-1338): APKKDVKQPE[Glu1328=]LPPITTTTTS